The following is an entry in ClinVar:

ClinVar aggregate classification (germline): Likely benign (1 of 4 stars; one submission).

Allele frequency attached by ClinVar (database versions not stated): gnomAD exomes 0.00001; gnomAD 0.00003 and 0.00004; ExAC 0.00004; TOPMed 0.00005.
gnomAD v4.1: 14 of 1,551,484 alleles (0.0009%); highest among the groups gnomAD compares: African/African-American, 0.0068%; no homozygotes.

Submission:

Laboratory for Molecular Medicine, Mass General Brigham Personalized Medicine
Classification: Likely benign. Last evaluated: 2013-06-11. Review status: criteria provided, single submitter. Criteria: LMM Criteria. Collection method: clinical testing. Allele origin: germline. Observed: 1 variant allele.
Comment: Thr1701Thr in exon 33 of LOXHD1:This variant is not expected to have clinical si gnificance because it does not alter an amino acid residue, and is not located w ithin the splice consensus sequence.

NM_001384474.1(LOXHD1):c.5289G>A (p.Thr1763=)

Gene: LOXHD1 (lipoxygenase homology PLAT domains 1; minus strand). Cytogenetic location: 18q21.1.
Variant type: single nucleotide variant.
Coding change: c.5289G>A on transcript NM_001384474.1 (MANE Select); coding-DNA position 5289, G replaced by A.
Protein change: p.Thr1763=; no amino-acid change (threonine 1763 retained).
Molecular consequence: synonymous variant.
Genome position (GRCh38, 1-based): chr18:46,518,239, C>T on the plus strand (G>A on the coding strand, the complement: LOXHD1 is on the minus strand). VCF-style: chr18-46518239-C-T. GRCh37 (hg19) VCF-style: chr18-44098202-C-T.
Other names: c.1956G>A, p.Thr652= (NM_001145472.3); c.6G>A, p.Thr2= (NM_001145473.3, NM_001173129.2); c.1668G>A, p.Thr556= (NM_001308013.2); c.5103G>A, p.Thr1701= (NM_144612.7).
Identifiers: ClinVar variation 163898 (VCV000163898.4), dbSNP rs727503138, ClinGen allele CA176615.
Genomic context (GRCh38, chr18:46,518,239, plus strand): 5'-GTAGAGGGTCATGAAGATGTTGGAGTCAGTGCCCCCGCCAACCACATCCCCTGTCCACAC[C>T]GTCATTTCATAGAGAACCTGCCATGAGAGGAATGCAGGTGCTGAGTCTCAGCCTCACCCT-3'
Protein context (NP_001371403.1, residues 1753-1773): NIGVKVLYEM[Thr1763=]VWTGDVVGGG